The following is an entry in ClinVar:

NM_001042492.3(NF1):c.4696dup (p.Ser1566fs)

Gene: NF1 (neurofibromin 1; plus strand). Cytogenetic location: 17q11.2.
Variant type: Duplication.
Coding change: c.4696dup on transcript NM_001042492.3 (MANE Select); coding-DNA position 4696, one base duplicated (A; older notation c.4696dupA).
Protein change: p.Ser1566fs; shifts the reading frame from serine 1566.
Molecular consequence: frameshift variant.
Genome position (GRCh38, 1-based): chr17:31,261,829, A duplicated. VCF-style (leftmost placement, unchanged base first): chr17-31261828-C-CA. GRCh37 (hg19) VCF-style: chr17-29588846-C-CA.
Other names: c.4633dup, p.Ser1545Lysfs (NM_000267.4); short protein forms S1566fs, S1545fs.
Identifiers: ClinVar variation 2812450 (VCV002812450.3), dbSNP rs2508430678, ClinGen allele CA2739267408.
Genomic context (GRCh38, chr17:31,261,828, plus strand): 5'-CCTGGGTCCTCCAGAGCACAAACCTGTGGCAGATACACACTGGTCCAGCCTTAACCTTAC[C>CA]AGTTCAAAGTTTGAGGAATTTATGACTAGGTAAAGTACAACCTTGAAATAGTTGATTGCT-3'

ClinVar aggregate classification (germline): Pathogenic (1 of 4 stars; one submission).

Conditions:
Neurofibromatosis, type 1 (NF1). Also called: NEUROFIBROMATOSIS, TYPE I, SOMATIC; Peripheral type neurofibromatosis; VON RECKLINGHAUSEN DISEASE; Neurofibromatosis, type I. Identifiers: Orphanet 636, MedGen C0027831, MONDO:0018975, OMIM 162200. Disease mechanism: loss of function.

Submission:

Labcorp Genetics (formerly Invitae), Labcorp
Classification: Pathogenic for Neurofibromatosis, type 1. Last evaluated: 2022-11-06. Review status: criteria provided, single submitter. Criteria: Invitae Variant Classification Sherloc (09022015). Collection method: clinical testing. Allele origin: germline.
Comment: This variant has not been reported in the literature in individuals affected with NF1-related conditions. This sequence change creates a premature translational stop signal (p.Ser1545Lysfs*5) in the NF1 gene. It is expected to result in an absent or disrupted protein product. Loss-of-function variants in NF1 are known to be pathogenic (PMID: 10712197, 23913538). This variant is not present in population databases (gnomAD no frequency). For these reasons, this variant has been classified as Pathogenic.

Literature cited by the submitters: PubMed 10712197; PubMed 23913538.